The following is an entry in ClinVar:

ClinVar aggregate classification (germline): Uncertain significance (1 of 4 stars; one submission).

Conditions:
Cardiomyopathy (CMYO). Also called: Cardiomyopathies. Identifiers: Orphanet 167848, MedGen C0878544, MONDO:0004994, HP:0001638. Inheritance: Various modes of inheritance.

Allele frequency attached by ClinVar (database versions not stated): gnomAD exomes below 0.00001.
gnomAD v4.1: 1 of 1,614,056 alleles (0.000062%); highest among the groups gnomAD compares: Non-Finnish European, 0.000085%; no homozygotes.

Submission:

Color Diagnostics, LLC DBA Color Health
Classification: Uncertain significance for Cardiomyopathy. Last evaluated: 2024-03-06. Review status: criteria provided, single submitter. Criteria: ACMG Guidelines, 2015. Collection method: clinical testing. Allele origin: germline.
Comment: This missense variant replaces valine with leucine at codon 556 of the MYBPC3 protein. Computational prediction is inconclusive regarding the impact of this variant on protein structure and function (internally defined REVEL score threshold 0.5 < inconclusive < 0.7, PMID: 27666373). To our knowledge, functional studies have not been reported for this variant. This variant has not been reported in individuals affected with cardiovascular disorders in the literature. This variant has not been identified in the general population by the Genome Aggregation Database (gnomAD). The available evidence is insufficient to determine the role of this variant in disease conclusively. Therefore, this variant is classified as a Variant of Uncertain Significance.

NM_000256.3(MYBPC3):c.1666G>T (p.Val556Leu)

Gene: MYBPC3 (myosin binding protein C3; minus strand). Cytogenetic location: 11p11.2.
Variant type: single nucleotide variant.
Coding change: c.1666G>T on transcript NM_000256.3 (MANE Select); coding-DNA position 1666, G replaced by T.
Protein change: p.Val556Leu; replaces valine 556 with leucine.
Molecular consequence: missense variant.
Genome position (GRCh38, 1-based): chr11:47,342,115, C>A on the plus strand (G>T on the coding strand, the complement: MYBPC3 is on the minus strand). VCF-style: chr11-47342115-C-A. GRCh37 (hg19) VCF-style: chr11-47363666-C-A.
Other names: short protein forms V556L.
Identifiers: ClinVar variation 1332497 (VCV001332497.3), dbSNP rs2142860299, ClinGen allele CA380324413.